The following is an entry in ClinVar:

ClinVar aggregate classification (germline): Uncertain significance (1 of 4 stars; one submission).

Conditions:
Cardiomyopathy (CMYO). Also called: Cardiomyopathies. Identifiers: Orphanet 167848, MedGen C0878544, MONDO:0004994, HP:0001638. Inheritance: Various modes of inheritance.

Submission:

Color Diagnostics, LLC DBA Color Health
Classification: Uncertain significance for Cardiomyopathy. Last evaluated: 2025-10-21. Review status: criteria provided, single submitter. Criteria: ACMG Guidelines, 2015. Collection method: clinical testing. Allele origin: germline.
Comment: This missense variant replaces aspartic acid with glycine at codon 4691 of the RYR2 protein. Computational prediction is inconclusive regarding the impact of this variant on protein structure and function. To our knowledge, functional studies have not been reported for this variant. This variant has not been reported in individuals affected with RYR2-related disorders in the literature. This variant has not been identified in the general population by the Genome Aggregation Database (gnomAD). The available evidence is insufficient to determine the role of this variant in disease conclusively. Therefore, this variant is classified as a Variant of Uncertain Significance.

NM_001035.3(RYR2):c.14072A>G (p.Asp4691Gly)

Gene: RYR2 (ryanodine receptor 2; plus strand). Cytogenetic location: 1q43.
Variant type: single nucleotide variant.
Coding change: c.14072A>G on transcript NM_001035.3 (MANE Select); coding-DNA position 14072, A replaced by G.
Protein change: p.Asp4691Gly; replaces aspartic acid 4691 with glycine.
Molecular consequence: missense variant.
Genome position (GRCh38, 1-based): chr1:237,798,152, A>G. VCF-style: chr1-237798152-A-G. GRCh37 (hg19) VCF-style: chr1-237961452-A-G.
Other names: short protein forms D4691G.
Identifiers: ClinVar variation 4758257 (VCV004758257.1).